The following is an entry in ClinVar:

ClinVar aggregate classification (germline): Uncertain significance (1 of 4 stars; one submission).

Conditions:
Early-infantile DEE. Also called: Ohtahara syndrome; Early infantile epileptic encephalopathy with suppression bursts; Early infantile epileptic encephalopathy. Identifiers: Orphanet 1934, MedGen C0393706, MONDO:0800491.

Allele frequency attached by ClinVar (database versions not stated): gnomAD exomes below 0.00001; gnomAD 0.00001; TOPMed 0.00001.
gnomAD v4.1: 5 of 1,613,550 alleles (0.00031%); highest among the groups gnomAD compares: African/African-American, 0.004%; no homozygotes.

Submission:

Labcorp Genetics (formerly Invitae), Labcorp
Classification: Uncertain significance for Early-infantile DEE. Last evaluated: 2025-02-12. Review status: criteria provided, single submitter. Criteria: Invitae Variant Classification Sherloc (09022015). Collection method: clinical testing. Allele origin: germline.
Comment: This sequence change replaces glycine, which is neutral and non-polar, with arginine, which is basic and polar, at codon 380 of the KCNQ2 protein (p.Gly380Arg). This variant is present in population databases (rs764614789, gnomAD 0.007%). This variant has not been reported in the literature in individuals affected with KCNQ2-related conditions. ClinVar contains an entry for this variant (Variation ID: 1016895). Invitae Evidence Modeling of protein sequence and biophysical properties (such as structural, functional, and spatial information, amino acid conservation, physicochemical variation, residue mobility, and thermodynamic stability) indicates that this missense variant is expected to disrupt KCNQ2 protein function with a positive predictive value of 95%. In summary, the available evidence is currently insufficient to determine the role of this variant in disease. Therefore, it has been classified as a Variant of Uncertain Significance.

NM_172107.4(KCNQ2):c.1138G>A (p.Gly380Arg)

Gene: KCNQ2 (potassium voltage-gated channel subfamily Q member 2; minus strand). Cytogenetic location: 20q13.33.
Variant type: single nucleotide variant.
Coding change: c.1138G>A on transcript NM_172107.4 (MANE Select); coding-DNA position 1138, G replaced by A.
Protein change: p.Gly380Arg; replaces glycine 380 with arginine.
Molecular consequence: missense variant. On other transcripts: intron variant (1).
Genome position (GRCh38, 1-based): chr20:63,431,350, C>T on the plus strand (G>A on the coding strand, the complement: KCNQ2 is on the minus strand). VCF-style: chr20-63431350-C-T. GRCh37 (hg19) VCF-style: chr20-62062703-C-T.
Other names: c.1138G>A, p.Gly380Arg (NM_001382235.1, NM_172106.3, NM_172108.5); c.1118+2459G>A (NM_004518.6); short protein forms G380R.
Identifiers: ClinVar variation 1016895 (VCV001016895.9), dbSNP rs764614789, ClinGen allele CA317447484.